The following is an entry in ClinVar:

ClinVar aggregate classification (germline): Likely pathogenic (1 of 4 stars; one submission).

Conditions:
GNPTAB-mucolipidosis. Also called: UDP-N-acetylglucosamine-1-phosphotransferase subunit alpha/beta deficiency. Identifiers: MedGen CN322573, MONDO:0100122.

Submission:

Myriad Genetics, Inc.
Classification: Likely pathogenic for GNPTAB-mucolipidosis. Last evaluated: 2019-12-23. Review status: criteria provided, single submitter. Criteria: Myriad Autosomal Dominant, Autosomal Recessive and X-Linked Classification Criteria (2023). Collection method: clinical testing. Allele origin: unknown.
Comment: NM_024312.4(GNPTAB):c.712A>T(K238*) is expected to be pathogenic in the context of GNPTAB-related disorders. This variant is predicted to lead to an abnormal or absent protein product due to the creation of a premature termination codon in GNPTAB, a gene where loss-of-function variants are known to be pathogenic. Please note: this variant was assessed in the context of healthy population screening.

NM_024312.5(GNPTAB):c.712A>T (p.Lys238Ter)

Gene: GNPTAB (N-acetylglucosamine-1-phosphate transferase subunits alpha and beta; minus strand). Cytogenetic location: 12q23.2.
Variant type: single nucleotide variant.
Coding change: c.712A>T on transcript NM_024312.5 (MANE Select); coding-DNA position 712, A replaced by T.
Protein change: p.Lys238Ter; replaces lysine 238 with a stop codon.
Molecular consequence: nonsense.
Genome position (GRCh38, 1-based): chr12:101,780,211, T>A on the plus strand (A>T on the coding strand, the complement: GNPTAB is on the minus strand). VCF-style: chr12-101780211-T-A. GRCh37 (hg19) VCF-style: chr12-102173989-T-A.
Other names: short protein forms K238*.
Identifiers: ClinVar variation 984025 (VCV000984025.4), dbSNP rs1953321100, ClinGen allele CA386304439.
Genomic context (GRCh38, chr12:101,780,211, plus strand): 5'-CCAGTTTGACTTTAGAGGAAAGATTTTCTGGCAATTTTGTTTTTAGTTGATTTGTTTCCT[T>A]GAATGTTGGTGGAAATCCACTCAGGAAAGCCAAATCTTGCATTAGCACTAATCCAGGGAC-3'